The following is an entry in ClinVar:

NM_025114.4(CEP290):c.5573C>T (p.Thr1858Ile)

Gene: CEP290 (centrosomal protein 290; minus strand). Cytogenetic location: 12q21.32.
Variant type: single nucleotide variant.
Coding change: c.5573C>T on transcript NM_025114.4 (MANE Select); coding-DNA position 5573, C replaced by T.
Protein change: p.Thr1858Ile; replaces threonine 1858 with isoleucine.
Molecular consequence: missense variant.
Genome position (GRCh38, 1-based): chr12:88,077,710, G>A on the plus strand (C>T on the coding strand, the complement: CEP290 is on the minus strand). VCF-style: chr12-88077710-G-A. GRCh37 (hg19) VCF-style: chr12-88471487-G-A.
Other names: c.5573C>T (NM_025114.3); short protein forms T1858I.
Identifiers: ClinVar variation 2043519 (VCV002043519.3), dbSNP rs761261059, ClinGen allele CA385988051.

ClinVar aggregate classification (germline): Uncertain significance. Review status: criteria provided, multiple submitters, no conflicts (2 of 4 stars). 3 submissions from 3 submitters: Uncertain significance (3). Last evaluated 2026-08-12.

Conditions:
CEP290-related disorder. Also called: CEP290-related condition; CEP290-related disorders. Identifiers: MedGen CN239314.
Joubert syndrome 5 (JBTS5). Identifiers: Orphanet 2318, MedGen C1857780, MONDO:0012432, OMIM 610188.
Bardet-Biedl syndrome 14 (BBS14). Identifiers: Orphanet 110, MedGen C2673874, MONDO:0014442, OMIM 615991.
Senior-Loken syndrome 6 (SLSN6). Identifiers: Orphanet 3156, MedGen C1857779, MONDO:0012433, OMIM 610189.
Leber congenital amaurosis 10 (LCA10). Identifiers: Orphanet 65, MedGen C1857821, MONDO:0012723, OMIM 611755.
Meckel syndrome, type 4 (MKS4). Also called: MECKEL-GRUBER SYNDROME, TYPE 4. Identifiers: Orphanet 564, MedGen C1970161, MONDO:0012626, OMIM 611134.
Nephronophthisis. Also called: Juvenile Nephronophthisis. Identifiers: Orphanet 655, MedGen C0687120, MONDO:0019005, HP:0000090.
Joubert syndrome. Also called: Familial aplasia of the vermis; JOUBERT-BOLTSHAUSER SYNDROME. Identifiers: Orphanet 475, MedGen C5979921, MONDO:0018772.
Meckel-Gruber syndrome. Also called: Dysencephalia splachnocystica; DYSENCEPHALIA SPLANCHNOCYSTICA; GRUBER SYNDROME. Identifiers: Orphanet 564, MedGen C0265215, MONDO:0018921.

Allele frequency attached by ClinVar (database versions not stated): TOPMed below 0.00001.

Submissions (3):

PreventionGenetics, part of Exact Sciences
Classification: Uncertain significance for CEP290-related condition. Last evaluated: 2026-08-12. Review status: criteria provided, single submitter. Criteria: ACMG Guidelines, 2015. Collection method: clinical testing. Allele origin: germline.
Comment: The CEP290 c.5573C>T variant is predicted to result in the amino acid substitution p.Thr1858Ile. To our knowledge, this variant has not been reported in the literature. This variant is absent in a large population database (gnomAD), indicating this variant is rare. At this time, the clinical significance of this variant is uncertain due to the absence of conclusive functional and genetic evidence.

Fulgent Genetics
Classification: Uncertain significance for Joubert syndrome 5; Senior-Loken syndrome 6; Meckel syndrome, type 4; Leber congenital amaurosis 10; Bardet-Biedl syndrome 14. Last evaluated: 2024-01-28. Review status: criteria provided, single submitter. Criteria: ACMG Guidelines, 2015. Collection method: clinical testing. Allele origin: germline.

Labcorp Genetics (formerly Invitae), Labcorp
Classification: Uncertain significance for Joubert syndrome; Meckel-Gruber syndrome; Nephronophthisis. Last evaluated: 2021-09-02. Review status: criteria provided, single submitter. Criteria: Invitae Variant Classification Sherloc (09022015). Collection method: clinical testing. Allele origin: germline.
Comment: This sequence change replaces threonine with isoleucine at codon 1858 of the CEP290 protein (p.Thr1858Ile). The threonine residue is moderately conserved and there is a moderate physicochemical difference between threonine and isoleucine. This variant is not present in population databases (ExAC no frequency). This variant has not been reported in the literature in individuals affected with CEP290-related conditions. Algorithms developed to predict the effect of missense changes on protein structure and function are either unavailable or do not agree on the potential impact of this missense change (SIFT: "Deleterious"; PolyPhen-2: "Benign"; Align-GVGD: "Class C0"). In summary, the available evidence is currently insufficient to determine the role of this variant in disease. Therefore, it has been classified as a Variant of Uncertain Significance.